The following is an entry in ClinVar:

NM_030958.3(SLCO5A1):c.1066A>G (p.Ile356Val)

Gene: SLCO5A1 (solute carrier organic anion transporter family member 5A1; minus strand). Cytogenetic location: 8q13.3.
Variant type: single nucleotide variant.
Coding change: c.1066A>G on transcript NM_030958.3 (MANE Select); coding-DNA position 1066, A replaced by G.
Protein change: p.Ile356Val; replaces isoleucine 356 with valine.
Molecular consequence: missense variant.
Genome position (GRCh38, 1-based): chr8:69,755,616, T>C on the plus strand (A>G on the coding strand, the complement: SLCO5A1 is on the minus strand). VCF-style: chr8-69755616-T-C. GRCh37 (hg19) VCF-style: chr8-70667851-T-C.
Other names: c.1066A>G, p.Ile356Val (NM_001146008.2, NM_001146009.1); short protein forms I356V.
Identifiers: ClinVar variation 1957212 (VCV001957212.6), dbSNP rs1486704192, ClinGen allele CA371235947.

ClinVar aggregate classification (germline): Uncertain significance. Review status: criteria provided, multiple submitters, no conflicts (2 of 4 stars). 2 submissions from 2 submitters: Uncertain significance (2). Last evaluated 2023-10-23.

Allele frequency attached by ClinVar (database versions not stated): gnomAD 0.00001.
gnomAD v4.1: 13 of 1,613,740 alleles (0.00081%); highest among the groups gnomAD compares: Admixed American, 0.005%; no homozygotes.

Submissions (2):

Labcorp Genetics (formerly Invitae), Labcorp
Classification: Uncertain significance. Last evaluated: 2023-10-23. Review status: criteria provided, single submitter. Criteria: Invitae Variant Classification Sherloc (09022015). Collection method: clinical testing. Allele origin: germline.
Comment: This sequence change replaces isoleucine, which is neutral and non-polar, with valine, which is neutral and non-polar, at codon 356 of the SLCO5A1 protein (p.Ile356Val). This variant is present in population databases (no rsID available, gnomAD 0.009%). This variant has not been reported in the literature in individuals affected with SLCO5A1-related conditions. ClinVar contains an entry for this variant (Variation ID: 1957212). Algorithms developed to predict the effect of missense changes on protein structure and function output the following: SIFT: "Not Available"; PolyPhen-2: "Benign"; Align-GVGD: "Not Available". The valine amino acid residue is found in multiple mammalian species, which suggests that this missense change does not adversely affect protein function. In summary, the available evidence is currently insufficient to determine the role of this variant in disease. Therefore, it has been classified as a Variant of Uncertain Significance.

Ambry Genetics
Classification: Uncertain significance. Last evaluated: 2022-11-21. Review status: criteria provided, single submitter. Criteria: Ambry Variant Classification Scheme 2023. Collection method: clinical testing. Allele origin: germline.